The following is an entry in ClinVar:

ClinVar aggregate classification (germline): Uncertain significance. Review status: criteria provided, multiple submitters, no conflicts (2 of 4 stars). 2 submissions from 2 submitters: Uncertain significance (2). Last evaluated 2025-08-18.

Conditions:
Vitamin D hydroxylation-deficient rickets, type 1B. Also called: PSEUDOVITAMIN D3 DEFICIENCY RICKETS DUE TO 25-HYDROXYLASE DEFICIENCY; VITAMIN D-DEPENDENT RICKETS, TYPE 1B; Rickets due to Defect in Vitamin D 25-hydroxylation. Identifiers: Orphanet 289157, MedGen C1838657, MONDO:0010810, OMIM 600081.

gnomAD v4.1: 34 of 1,611,932 alleles (0.0021%); highest among the groups gnomAD compares: Admixed American, 0.057%; no homozygotes.

Submissions (2):

Labcorp Genetics (formerly Invitae), Labcorp
Classification: Uncertain significance. Last evaluated: 2025-08-18. Review status: criteria provided, single submitter. Criteria: Invitae Variant Classification Sherloc (09022015). Collection method: clinical testing. Allele origin: germline.
Comment: This sequence change replaces proline, which is neutral and non-polar, with alanine, which is neutral and non-polar, at codon 41 of the CYP2R1 protein (p.Pro41Ala). This variant is present in population databases (rs147467617, gnomAD 0.1%). This variant has not been reported in the literature in individuals affected with CYP2R1-related conditions. ClinVar contains an entry for this variant (Variation ID: 3599261). An algorithm developed to predict the effect of missense changes on protein structure and function (PolyPhen-2) suggests that this variant is likely to be disruptive. In summary, the available evidence is currently insufficient to determine the role of this variant in disease. Therefore, it has been classified as a Variant of Uncertain Significance.

Fulgent Genetics
Classification: Uncertain significance for Vitamin D hydroxylation-deficient rickets, type 1B. Last evaluated: 2024-03-25. Review status: criteria provided, single submitter. Criteria: ACMG Guidelines, 2015. Collection method: clinical testing. Allele origin: germline.

NM_024514.5(CYP2R1):c.121C>G (p.Pro41Ala)

Genes: CYP2R1 (cytochrome P450 family 2 subfamily R member 1; minus strand), PDE3B (phosphodiesterase 3B; plus strand). Cytogenetic location: 11p15.2.
Variant type: single nucleotide variant.
Coding change: c.121C>G on transcript NM_024514.5 (MANE Select); coding-DNA position 121, C replaced by G.
Protein change: p.Pro41Ala; replaces proline 41 with alanine.
Molecular consequence: missense variant. On other transcripts: intron variant (3).
Genome position (GRCh38, 1-based): chr11:14,892,085, G>C on the plus strand (C>G on the coding strand, the complement: CYP2R1 is on the minus strand). VCF-style: chr11-14892085-G-C. GRCh37 (hg19) VCF-style: chr11-14913631-G-C.
Other names: c.2887-6860G>C (NM_001429700.1); c.2887-6871G>C (NM_001429699.1); c.-121+280C>G (NM_001400558.1); short protein forms P41A.
Identifiers: ClinVar variation 3599261 (VCV003599261.1).